The following is an entry in ClinVar:

NM_000038.6(APC):c.978T>C (p.Asp326=)

Gene: APC (APC regulator of Wnt signaling pathway; plus strand). Cytogenetic location: 5q22.2.
Variant type: single nucleotide variant.
Coding change: c.978T>C on transcript NM_000038.6 (MANE Select); coding-DNA position 978, T replaced by C.
Protein change: p.Asp326=; no amino-acid change (aspartic acid 326 retained).
Molecular consequence: synonymous variant. On other transcripts: non-coding transcript variant (2), intron variant (15).
Genome position (GRCh38, 1-based): chr5:112,819,010, T>C. VCF-style: chr5-112819010-T-C. GRCh37 (hg19) VCF-style: chr5-112154707-T-C.
Other names: c.978T>C (NM_000038.5); c.978T>C, p.Asp326= (NM_001127510.3, NM_001354895.2, NM_001354896.2 and 4 more transcripts); c.924T>C, p.Asp308= (NM_001127511.3); c.1008T>C, p.Asp336= (NM_001354897.2, NM_001407446.1); c.903T>C, p.Asp301= (NM_001354898.2, NM_001407451.1); c.894T>C, p.Asp298= (NM_001354899.2, NM_001407452.1); c.801T>C, p.Asp267= (NM_001354900.2, NM_001354901.2, NM_001407453.1); c.129T>C, p.Asp43= (NM_001354906.2, NM_001407470.1); and 6 more.
Identifiers: ClinVar variation 3148088 (VCV003148088.2), dbSNP rs2533036922, ClinGen allele CA445755768.
Genomic context (GRCh38, chr5:112,819,010, plus strand): 5'-CTCATTTGGCCCACAGGTGGAAATGGTGTATTCATTGTTGTCAATGCTTGGTACTCATGA[T>C]AAGGATGATATGTCGCGAACTTTGCTAGCTATGTCTAGCTCCCAAGACAGCTGTATATCC-3'
Protein context (NP_000029.2, residues 316-336): YSLLSMLGTH[Asp326=]KDDMSRTLLA

ClinVar aggregate classification (germline): Benign/Likely benign. Review status: criteria provided, multiple submitters, no conflicts (2 of 4 stars). 2 submissions from 2 submitters: Benign (1); Likely benign (1). Last evaluated 2025-11-08.

Conditions:
Familial adenomatous polyposis 1 (FAP1). Also called: POLYPOSIS, ADENOMATOUS INTESTINAL; FAMILIAL ADENOMATOUS POLYPOSIS 1, ATTENUATED. Identifiers: MedGen C2713442, MONDO:0021056, OMIM 175100. Disease mechanism: loss of function.
Hereditary cancer-predisposing syndrome. Also called: Neoplastic Syndromes, Hereditary; Tumor predisposition; Hereditary neoplastic syndrome; Hereditary Cancer Syndrome. Identifiers: Orphanet 140162, MedGen C0027672, MeSH D009386, MONDO:0015356.

Allele frequency attached by ClinVar (database versions not stated): gnomAD exomes below 0.00001.
gnomAD v4.1: 1 of 1,614,130 alleles (0.000062%); highest among the groups gnomAD compares: Non-Finnish European, 0.000085%; no homozygotes.

Submissions (2):

Ambry Genetics
Classification: Likely benign for Hereditary cancer-predisposing syndrome. Last evaluated: 2025-11-08. Review status: criteria provided, single submitter. Criteria: Ambry Variant Classification Scheme 2023. Collection method: clinical testing. Allele origin: germline.

Myriad Genetics, Inc.
Classification: Benign for Familial adenomatous polyposis 1. Last evaluated: 2024-02-29. Review status: criteria provided, single submitter. Criteria: Myriad Autosomal Dominant, Autosomal Recessive and X-Linked Classification Criteria (2023). Collection method: clinical testing. Allele origin: unknown.
Comment: This variant is considered benign. This variant is a silent/synonymous amino acid change and it is not expected to impact splicing.